The following is an entry in ClinVar:

ClinVar aggregate classification (germline): Uncertain significance (1 of 4 stars; one submission).

gnomAD v4.1: 20 of 1,613,044 alleles (0.0012%); highest among the groups gnomAD compares: South Asian, 0.0022%; no homozygotes.

Submission:

Labcorp Genetics (formerly Invitae), Labcorp
Classification: Uncertain significance. Last evaluated: 2025-07-23. Review status: criteria provided, single submitter. Criteria: Invitae Variant Classification Sherloc (09022015). Collection method: clinical testing. Allele origin: germline.
Comment: This sequence change replaces valine, which is neutral and non-polar, with isoleucine, which is neutral and non-polar, at codon 132 of the CARD8 protein (p.Val132Ile). This variant is present in population databases (rs150982505, gnomAD 0.003%). This variant has not been reported in the literature in individuals affected with CARD8-related conditions. ClinVar contains an entry for this variant (Variation ID: 1898637). An algorithm developed to predict the effect of missense changes on protein structure and function outputs the following: PolyPhen-2: "Benign". The isoleucine amino acid residue is found in multiple mammalian species, which suggests that this missense change does not adversely affect protein function. In summary, the available evidence is currently insufficient to determine the role of this variant in disease. Therefore, it has been classified as a Variant of Uncertain Significance.

NM_001184900.3(CARD8):c.544G>A (p.Val182Ile)

Gene: CARD8 (caspase recruitment domain family member 8; minus strand). Cytogenetic location: 19q13.33.
Variant type: single nucleotide variant.
Coding change: c.544G>A on transcript NM_001184900.3 (MANE Select); coding-DNA position 544, G replaced by A.
Protein change: p.Val182Ile; replaces valine 182 with isoleucine.
Molecular consequence: missense variant. On other transcripts: non-coding transcript variant (4).
Genome position (GRCh38, 1-based): chr19:48,231,005, C>T on the plus strand (G>A on the coding strand, the complement: CARD8 is on the minus strand). VCF-style: chr19-48231005-C-T. GRCh37 (hg19) VCF-style: chr19-48734262-C-T.
Other names: c.394G>A, p.Val132Ile (NM_001184901.1, NM_001351783.2, NM_001351788.2 and 2 more transcripts); c.544G>A, p.Val182Ile (NM_001184902.2, NM_001184903.1, NM_001351782.2); c.229G>A, p.Val77Ile (NM_001351784.2, NM_001351787.2, NM_001351791.2 and 2 more transcripts); c.208G>A, p.Val70Ile (NM_001351786.2); c.301G>A, p.Val101Ile (NM_001351790.2); short protein forms V132I, V182I, V70I, V77I, V101I.
Identifiers: ClinVar variation 1898637 (VCV001898637.5), dbSNP rs150982505, ClinGen allele CA9547976.